The following is an entry in ClinVar:

ClinVar aggregate classification (germline): Pathogenic (1 of 4 stars; one submission).

Allele frequency attached by ClinVar (database versions not stated): gnomAD exomes below 0.00001.

Submission:

Labcorp Genetics (formerly Invitae), Labcorp
Classification: Pathogenic. Last evaluated: 2023-02-22. Review status: criteria provided, single submitter. Criteria: Invitae Variant Classification Sherloc (09022015). Collection method: clinical testing. Allele origin: germline.
Comment: This variant is not present in population databases (gnomAD no frequency). This variant has not been reported in the literature in individuals affected with COL11A2-related conditions. For these reasons, this variant has been classified as Pathogenic. This sequence change creates a premature translational stop signal (p.Leu1550Argfs*8) in the COL11A2 gene. It is expected to result in an absent or disrupted protein product. Loss-of-function variants in COL11A2 are known to be pathogenic (PMID: 10677296, 21204229).

Literature cited by the submitters: PubMed 10677296; PubMed 21204229.

NM_080680.3(COL11A2):c.4649del (p.Leu1550fs)

Gene: COL11A2 (collagen type XI alpha 2 chain; minus strand). Cytogenetic location: 6p21.32.
Variant type: Deletion.
Coding change: c.4649del on transcript NM_080680.3 (MANE Select); coding-DNA position 4649, one base deleted (T; older notation c.4649delT).
Protein change: p.Leu1550fs; shifts the reading frame from leucine 1550.
Molecular consequence: frameshift variant.
Genome position (GRCh38, 1-based): chr6:33,165,650, A deleted on the plus strand (T on the coding strand, the reverse complement: COL11A2 is on the minus strand). VCF-style (leftmost placement, unchanged base first): chr6-33165649-CA-C. GRCh37 (hg19) VCF-style: chr6-33133426-CA-C.
Other names: c.4469del, p.Leu1490fs (NM_001424108.1); c.3803del, p.Leu1268fs (NM_001424109.1); c.3623del, p.Leu1208fs (NM_001424110.1, NM_001424111.1); c.2603del, p.Leu868fs (NM_001424112.1); c.4328del, p.Leu1443fs (NM_080679.3); c.4391del, p.Leu1464fs (NM_080681.3); short protein forms L1268fs, L1550fs, L868fs, L1443fs, L1464fs, L1208fs, L1490fs.
Identifiers: ClinVar variation 2870944 (VCV002870944.3), dbSNP rs1562306948, ClinGen allele CA917719455.